The following is an entry in ClinVar:

ClinVar aggregate classification (germline): Likely benign. Review status: criteria provided, multiple submitters, no conflicts (2 of 4 stars). 3 submissions from 3 submitters: Likely benign (2). 1 of the submissions does not count toward it. Last evaluated 2026-01-27.

Conditions:
Zellweger spectrum disorders (ZS). Also called: Zellweger syndrome; Zellweger Spectrum Disorder (ZSD); Zellweger Spectrum Disorder; Zellweger Spectrum. Identifiers: Orphanet 912, MedGen C0043459, MONDO:0019609.

Allele frequency attached by ClinVar (database versions not stated): TOPMed 0.00001; gnomAD 0.00002; ESP Exome Variant Server 0.00008.
gnomAD v4.1: 30 of 1,613,840 alleles (0.0019%); highest among the groups gnomAD compares: African/African-American, 0.0027%; no homozygotes.

Submissions (3):

Labcorp Genetics (formerly Invitae), Labcorp
Classification: Likely benign for Zellweger spectrum disorders. Last evaluated: 2026-01-27. Review status: criteria provided, single submitter. Criteria: Invitae Variant Classification Sherloc (09022015). Collection method: clinical testing. Allele origin: germline.

Mayo Clinic Laboratories, Mayo Clinic
Classification: Likely benign. Last evaluated: 2025-09-23. Review status: criteria provided, single submitter. Criteria: ACMG Guidelines, 2015. Collection method: clinical testing. Allele origin: germline. Observed: 1 variant allele.
Comment: BP4, BP7

Natera, Inc.
Classification: Likely benign for Zellweger syndrome. Last evaluated: 2020-01-12. Review status: no assertion criteria provided. Collection method: clinical testing. Allele origin: germline. Not counted in ClinVar's aggregate classification.

NM_000466.3(PEX1):c.3381G>A (p.Arg1127=)

Genes: GATAD1 (GATA zinc finger domain containing 1; plus strand), PEX1 (peroxisomal biogenesis factor 1; minus strand). Cytogenetic location: 7q21.2.
Variant type: single nucleotide variant.
Coding change: c.3381G>A on transcript NM_000466.3 (MANE Select); coding-DNA position 3381, G replaced by A.
Protein change: p.Arg1127=; no amino-acid change (arginine 1127 retained).
Molecular consequence: synonymous variant.
Genome position (GRCh38, 1-based): chr7:92,491,329, C>T on the plus strand (G>A on the coding strand, the complement: PEX1 is on the minus strand). VCF-style: chr7-92491329-C-T. GRCh37 (hg19) VCF-style: chr7-92120643-C-T.
Other names: p.Arg1127=; c.3210G>A, p.Arg1070= (NM_001282677.2); c.2757G>A, p.Arg919= (NM_001282678.2).
Identifiers: ClinVar variation 719447 (VCV000719447.12), dbSNP rs148972713, ClinGen allele CA161953019.
Genomic context (GRCh38, chr7:92,491,329, plus strand): 5'-TACCAAATCAGAAGAGGTTCCATTTCCAAGTTCTGATTCATAAGAGCTTCCAAAGTAGAG[C>T]CGGTACATATTGAATTTTGATTCATCTGGAAGGATCTCGGACATCTCTAAAGAAACAAGG-3'
Protein context (NP_000457.1, residues 1117-1137): LPDESKFNMY[Arg1127=]LYFGSSYESE